The following is an entry in ClinVar:

NM_002350.4(LYN):c.974-3T>C

Gene: LYN (LYN proto-oncogene, Src family tyrosine kinase; plus strand). Cytogenetic location: 8q12.1.
Variant type: single nucleotide variant.
Coding change: c.974-3T>C on transcript NM_002350.4 (MANE Select); 3 bases into the intron before coding-DNA position 974, T replaced by C.
Molecular consequence: intron variant.
Genome position (GRCh38, 1-based): chr8:55,969,714, T>C. VCF-style: chr8-55969714-T-C. GRCh37 (hg19) VCF-style: chr8-56882273-T-C.
Other names: c.911-3T>C (NM_001111097.3).
Identifiers: ClinVar variation 2414873 (VCV002414873.6), dbSNP rs374292382, ClinGen allele CA4754156.

ClinVar aggregate classification (germline): Uncertain significance (1 of 4 stars; one submission).

Allele frequency attached by ClinVar (database versions not stated): gnomAD exomes 0.00001; ExAC 0.00002; gnomAD 0.00007; TOPMed 0.00007; ESP Exome Variant Server 0.00008.
gnomAD v4.1: 21 of 1,612,450 alleles (0.0013%); highest among the groups gnomAD compares: African/African-American, 0.021%; no homozygotes.

Submission:

Labcorp Genetics (formerly Invitae), Labcorp
Classification: Uncertain significance. Last evaluated: 2025-06-14. Review status: criteria provided, single submitter. Criteria: Invitae Variant Classification Sherloc (09022015). Collection method: clinical testing. Allele origin: germline.
Comment: This sequence change falls in intron 9 of the LYN gene. It does not directly change the encoded amino acid sequence of the LYN protein. It affects a nucleotide within the consensus splice site. This variant is present in population databases (rs374292382, gnomAD 0.02%). This variant has not been reported in the literature in individuals affected with LYN-related conditions. ClinVar contains an entry for this variant (Variation ID: 2414873). Variants that disrupt the consensus splice site are a relatively common cause of aberrant splicing (PMID: 17576681, 9536098). Algorithms developed to predict the effect of sequence changes on RNA splicing suggest that this variant is not likely to affect RNA splicing. In summary, the available evidence is currently insufficient to determine the role of this variant in disease. Therefore, it has been classified as a Variant of Uncertain Significance.

Literature cited by the submitters: PubMed 17576681; PubMed 9536098.